The following is an entry in ClinVar:

ClinVar aggregate classification (germline): Pathogenic. Review status: criteria provided, multiple submitters, no conflicts (2 of 4 stars). 13 submissions from 13 submitters: Pathogenic (12). 1 of the submissions does not count toward it. Last evaluated 2026-07-01.

Conditions:
Cerebral arteriopathy, autosomal dominant, with subcortical infarcts and leukoencephalopathy, type 1 (CADASIL1). Also called: CADASIL 1; CASIL; Cerebral arteriopathy with subcortical infarcts and leukoencephalopathy 1; DEMENTIA, HEREDITARY MULTIINFARCT TYPE. Identifiers: Orphanet 136, MedGen C4551768, MONDO:0000914, OMIM 125310.
Ischemic stroke. Also called: CEREBROVASCULAR ACCIDENT; Ischemic stroke, susceptibility to. Identifiers: MedGen C0948008, MONDO:1060198, OMIM 601367, HP:0002140.
Transient ischemic attack (TIA). Also called: Transient ischemic attack (disease). Identifiers: MedGen C0007787, MONDO:0005264, HP:0002326.
Myofibromatosis, infantile, 2. Identifiers: Orphanet 2591, MedGen C3809084, MONDO:0014122, OMIM 615293.
Lateral meningocele syndrome (LMNS). Also called: NOTCH3-Related Lateral Meningocele Syndrome. Identifiers: Orphanet 2789, MedGen C1851710, MONDO:0007537, OMIM 130720.

gnomAD v4.1: 1 of 1,612,464 alleles (0.000062%); highest among the groups gnomAD compares: Non-Finnish European, 0.000085%; no homozygotes.

Submissions 1 to 9 of 13:

CeGaT Center for Human Genetics Tuebingen
Classification: Pathogenic. Last evaluated: 2026-07-01. Review status: criteria provided, single submitter. Criteria: CeGaT Center For Human Genetics Tuebingen Variant Classification Criteria Version 2. Collection method: clinical testing. Allele origin: germline. Affected: yes. Observed: 3 variant alleles.
Comment: NOTCH3: PM1:Strong, PS4, PM2, PP1:Moderate, PP4

ARUP Laboratories, Molecular Genetics and Genomics, ARUP Laboratories
Classification: Pathogenic. Last evaluated: 2025-03-03. Review status: criteria provided, single submitter. Criteria: ARUP Molecular Germline Variant Investigation Process 2024. Collection method: clinical testing. Allele origin: germline.
Comment: The NOTCH3 c.457C>T; p.Arg153Cys variant (rs797045014) is reported in the literature in multiple individuals affected with CADASIL (Ceroni 2000, Joutel 1997, Konialis 2007, Mandellos 2005, Matsushima 2017, Tarzjani 2018). This variant is reported as pathogenic in ClinVar (Variation ID: 208501), and is absent from general population databases (1000 Genomes Project, Exome Variant Server, and Genome Aggregation Database), indicating it is not a common polymorphism. The arginine at codon 153 is moderately conserved, and computational analyses (SIFT, PolyPhen-2) predict that this variant is deleterious. This variant lies with an EGF-like repeat domain, and pathogenic variants resulting in the gain or loss of a cysteine residue are common in these repeats and are predicted to disrupt protein structure (Dichgans 2000, Joutel 2007, Rutten 2016). Based on available information, the p.Arg153Cys variant is considered to be pathogenic. References: Ceroni M et al. Migraine with aura and white matter abnormalities: Notch3 mutation. Neurology. 2000 May 9;54(9):1869-71. Dichgans M et al. Small in-frame deletions and missense mutations in CADASIL: 3D models predict misfolding of Notch3 EGF-like repeat domains. Eur J Hum Genet. 2000 Apr;8(4):280-5. Joutel A et al. Strong clustering and stereotyped nature of Notch3 mutations in CADASIL patients. Lancet. 1997 Nov 22;350(9090):1511-5. Konialis C et al. Pregnancy following preimplantation genetic diagnosis of cerebral autosomal dominant arteriopathy with subcortical infarcts and leukoencephalopathy (CADASIL). Prenat Diagn. 2007 Nov;27(11):1079-83. Mandellos D et al. Cerebral autosomal dominant arteriopathy with subcortical infarcts and leukoencephalopathy (CADASIL) in a Greek family. Neurol Sci. 2005 Oct;26(4):278-81. Matsushima T et al. Genotype-phenotype correlations of cysteine replacement in CADASIL. Neurobiol Aging. 2017 Feb;50:169.e7-169.e14. Rutten JW et al. Therapeutic NOTCH3 cysteine correction in CADASIL using exon skipping: in vitro proof of concept. Brain. 2016 Apr;139(Pt 4):1123-35. Tarzjani SPC et al. Genetic study of the NOTCH3 gene in CADASIL patients. Egypt J Med Hum Genet. 2018 Oct;19(4):425-7.

Laboratory of Genetics, Children's Clinical University Hospital Latvia
Classification: Pathogenic. Last evaluated: 2025-02-16. Review status: criteria provided, single submitter. Criteria: ACMG Guidelines, 2015. Collection method: clinical testing. Allele origin: germline. Affected: yes.

Labcorp Genetics (formerly Invitae), Labcorp
Classification: Pathogenic. Last evaluated: 2025-01-22. Review status: criteria provided, single submitter. Criteria: Invitae Variant Classification Sherloc (09022015). Collection method: clinical testing. Allele origin: germline.
Comment: This sequence change replaces arginine, which is basic and polar, with cysteine, which is neutral and slightly polar, at codon 153 of the NOTCH3 protein (p.Arg153Cys). This variant is not present in population databases (gnomAD no frequency). This missense change has been observed in individuals with autosomal dominant CADASIL and/or CADASIL (PMID: 9388399, 10802804, 16193256, 27890607). It has also been observed to segregate with disease in related individuals. ClinVar contains an entry for this variant (Variation ID: 208501). Invitae Evidence Modeling of protein sequence and biophysical properties (such as structural, functional, and spatial information, amino acid conservation, physicochemical variation, residue mobility, and thermodynamic stability) indicates that this missense variant is expected to disrupt NOTCH3 protein function with a positive predictive value of 95%. For these reasons, this variant has been classified as Pathogenic.

GeneDx
Classification: Pathogenic. Last evaluated: 2025-01-14. Review status: criteria provided, single submitter. Criteria: GeneDx Variant Classification Process June 2021. Collection method: clinical testing. Allele origin: germline. Affected: yes.
Comment: In silico analysis supports that this missense variant has a deleterious effect on protein structure/function; Not observed at significant frequency in large population cohorts (gnomAD); This variant is associated with the following publications: (PMID: 34335700, 27890607, 30956055, 32470649, 31680059, 32277177, 26715087, 25973016, 10371548, 34761493, 24844136, 20301673, 35982159, 36401683, 35982160, 35822697, 36047879, 36380532, 26912635, 37156532, 37873835, 37158955, 11571335, 34004599, 36541592, 35708580, 33335580, 33530161, 28710804, 16193256, 17729386, 26308724, 25623805, 10802804, 9388399, 11102981, 10854111, 32765252, 31584664, 31915071, 25578324, 16009764, 15364702, 11755616, 33101365, 32457593, 34691145, 29213994, 19359623, 28534048, 27206574, 33130454, 34297860, 34851492, 36715085, 37361999, 37209821)

Cambridge Genomics Laboratory, East Genomic Laboratory Hub, NHS Genomic Medicine Service
Classification: Pathogenic for CADASIL. Last evaluated: 2025-01-12. Review status: criteria provided, single submitter. Criteria: ACGS Best Practice Guidelines for Variant Classification in Rare Disease 2020. Collection method: clinical testing. Allele origin: germline. Affected: yes.
Comment: PM1_Strong,PM2,PP1_Moderate,PP2,PP3,PP4

Women's Health and Genetics/Laboratory Corporation of America, LabCorp
Classification: Pathogenic for Cerebral arteriopathy, autosomal dominant, with subcortical infarcts and leukoencephalopathy, type 1. Last evaluated: 2024-12-17. Review status: criteria provided, single submitter. Criteria: LabCorp Variant Classification Summary - May 2015. Collection method: clinical testing. Allele origin: germline.
Comment: Variant summary: NOTCH3 c.457C>T (p.Arg153Cys) results in a non-conservative amino acid change located in an EGF-like repeat domain (IPR000742) of the encoded protein sequence. Five of five in-silico tools predict a damaging effect of the variant on protein function. The variant was absent in 244866 control chromosomes (gnomAD). The variant, c.457C>T, has been reported in the literature in several individuals affected with Cerebral arteriopathy, autosomal dominant, with subcortical infarcts and leukoencephalopathy, type 1 (e.g. Joutel_1997, Delibas_2009, Narayan_2012, Matsushima_2017), and been also observed to segregate with the disease in multiple families. These data indicate that the variant is very likely to be associated with disease. To our knowledge, no experimental evidence demonstrating an impact on protein function has been reported. The following publications have been ascertained in the context of this evaluation (PMID: 9388399, 20329594, 27890607, 22422895). ClinVar contains an entry for this variant (Variation ID: 208501). Based on the evidence outlined above, the variant was classified as pathogenic.

3billion
Classification: Pathogenic for Cerebral arteriopathy, autosomal dominant, with subcortical infarcts and leukoencephalopathy, type 1. Last evaluated: 2023-09-05. Review status: criteria provided, single submitter. Criteria: ACMG Guidelines, 2015. Collection method: clinical testing. Allele origin: germline. Affected: yes.
Comment: The variant is not observed in the gnomAD v2.1.1 dataset. Predicted Consequence/Location: Missense changes are a common disease-causing mechanism. In silico tool predictions suggest damaging effect of the variant on gene or gene product [REVEL: 0.78 (>=0.6, sensitivity 0.68 and specificity 0.92); 3Cnet: 1.00 (>=0.6, sensitivity 0.72 and precision 0.9)]. Same nucleotide change resulting in same amino acid change has been previously reported as pathogenic/likely pathogenic with strong evidence (ClinVar ID: VCV000208501 /PMID: 9388399). The variant has been reported to co-segregate with the disease in at least 5 similarly affected relatives/individuals in the same family or similarly affected unrelated families (PMID: 10802804). A different missense change at the same codon (p.Arg153His) has been reported to be associated with NOTCH3 related disorder (ClinVar ID: VCV002572610). Therefore, this variant is classified as Pathogenic according to the recommendation of ACMG/AMP guideline.

Athena Diagnostics
Classification: Pathogenic. Last evaluated: 2022-12-12. Review status: criteria provided, single submitter. Criteria: Athena Diagnostics Criteria. Collection method: clinical testing. Allele origin: unknown.
Comment: This variant has been identified in multiple unrelated individuals with clinical features of CADASIL. This variant has not been reported in large, multi-ethnic general populations (Genome Aggregation Database (gnomAD), Cambridge, MA (URL)). This variant alters a critical location within the protein, and is expected to severely affect function and cause disease. Greater than 90% of NOTCH3 pathogenic variants associated with CADASIL involve the gain or loss of a cysteine residue within the epidermal growth factor (EGF)-like repeat domain (PMID: 32457593, 20301673).

NM_000435.3(NOTCH3):c.457C>T (p.Arg153Cys)

Gene: NOTCH3 (notch receptor 3; minus strand). Cytogenetic location: 19p13.12.
Variant type: single nucleotide variant.
Coding change: c.457C>T on transcript NM_000435.3 (MANE Select); coding-DNA position 457, C replaced by T.
Protein change: p.Arg153Cys; replaces arginine 153 with cysteine.
Molecular consequence: missense variant.
Genome position (GRCh38, 1-based): chr19:15,192,182, G>A on the plus strand (C>T on the coding strand, the complement: NOTCH3 is on the minus strand). VCF-style: chr19-15192182-G-A. GRCh37 (hg19) VCF-style: chr19-15302993-G-A.
Other names: short protein forms R153C.
Identifiers: ClinVar variation 208501 (VCV000208501.66), dbSNP rs797045014, ClinGen allele CA346917.